The following is an entry in ClinVar:

ClinVar aggregate classification (germline): Uncertain significance (1 of 4 stars; one submission).

Submission:

Labcorp Genetics (formerly Invitae), Labcorp
Classification: Uncertain significance. Last evaluated: 2022-09-13. Review status: criteria provided, single submitter. Criteria: Invitae Variant Classification Sherloc (09022015). Collection method: clinical testing. Allele origin: germline.
Comment: This sequence change creates a premature translational stop signal (p.Lys1207Serfs*4) in the A2ML1 gene. It is expected to result in an absent or disrupted protein product. However, the current clinical and genetic evidence is not sufficient to establish whether loss-of-function variants in A2ML1 cause disease. In summary, the available evidence is currently insufficient to determine the role of this variant in disease. Therefore, it has been classified as a Variant of Uncertain Significance. This variant has not been reported in the literature in individuals affected with A2ML1-related conditions. This variant is present in population databases (rs769980510, gnomAD 0.0009%).

NM_144670.6(A2ML1):c.3615_3617delinsAA (p.Lys1207fs)

Gene: A2ML1 (alpha-2-macroglobulin like 1; plus strand). Cytogenetic location: 12p13.31.
Variant type: Indel.
Coding change: c.3615_3617delinsAA on transcript NM_144670.6 (MANE Select); coding-DNA positions 3615 to 3617, TAC replaced by AA.
Protein change: p.Lys1207fs; shifts the reading frame from lysine 1207.
Molecular consequence: frameshift variant.
Genome position (GRCh38, 1-based): chr12:8,863,906-8,863,908, TAC replaced by AA. VCF-style: chr12-8863906-TAC-AA. GRCh37 (hg19) VCF-style: chr12-9016502-TAC-AA.
Other names: c.2142_2144delinsAA, p.Lys716fs (NM_001282424.3); short protein forms K1207fs, K716fs.
Identifiers: ClinVar variation 969966 (VCV000969966.6), dbSNP rs1944353833, ClinGen allele CA1139662507.